The following is an entry in ClinVar:

NM_003000.3(SDHB):c.581C>G (p.Thr194Ser)

Gene: SDHB (succinate dehydrogenase complex iron sulfur subunit B; minus strand). Cytogenetic location: 1p36.13.
Variant type: single nucleotide variant.
Coding change: c.581C>G on transcript NM_003000.3 (MANE Select); coding-DNA position 581, C replaced by G.
Protein change: p.Thr194Ser; replaces threonine 194 with serine.
Molecular consequence: missense variant.
Genome position (GRCh38, 1-based): chr1:17,024,034, G>C on the plus strand (C>G on the coding strand, the complement: SDHB is on the minus strand). VCF-style: chr1-17024034-G-C. GRCh37 (hg19) VCF-style: chr1-17350529-G-C.
Other names: short protein forms T194S.
Identifiers: ClinVar variation 528727 (VCV000528727.15), dbSNP rs200535030, ClinGen allele CA18663196.

ClinVar aggregate classification (germline): Uncertain significance. Review status: criteria provided, multiple submitters, no conflicts (2 of 4 stars). 5 submissions from 5 submitters: Uncertain significance (5). Last evaluated 2025-12-09.

Conditions:
Hereditary pheochromocytoma and paraganglioma. Also called: Hereditary pheochromocytoma-paraganglioma; Hereditary Paraganglioma-Pheochromocytoma Syndromes; Hereditary paragangliomas and pheochromocytomas. Identifiers: Orphanet 29072, MedGen C4274332, MONDO:0017366.
Hereditary cancer-predisposing syndrome. Also called: Hereditary neoplastic syndrome; Neoplastic Syndromes, Hereditary; Hereditary Cancer Syndrome; Tumor predisposition. Identifiers: Orphanet 140162, MedGen C0027672, MeSH D009386, MONDO:0015356.
Pheochromocytoma. Also called: MAX-Related Hereditary Paraganglioma-Pheochromocytoma Syndrome. Identifiers: Orphanet 29072, MedGen C0031511, MONDO:0008233, OMIM 171300, HP:0002666.
Gastrointestinal stromal tumor. Also called: Gastrointestinal stromal tumor, somatic; Gastrointestinal stroma tumor. Identifiers: Orphanet 44890, MedGen C0238198, MeSH D046152, MONDO:0011719, OMIM 606764, HP:0100723.
Pheochromocytoma/paraganglioma syndrome 4. Also called: SDHB-Related Hereditary Paraganglioma-Pheochromocytoma Syndrome; PARAGANGLIOMA, FAMILIAL MALIGNANT; PARAGANGLIOMAS, HEREDITARY EXTRAADRENAL; PHEOCHROMOCYTOMA, FAMILIAL EXTRAADRENAL; Paragangliomas 4; CAROTID BODY TUMORS AND MULTIPLE EXTRAADRENAL PHEOCHROMOCYTOMAS. Identifiers: Orphanet 29072, MedGen C1861848, MONDO:0007273, OMIM 115310.

Allele frequency attached by ClinVar (database versions not stated): gnomAD exomes below 0.00001; TOPMed below 0.00001; gnomAD 0.00001.
gnomAD v4.1: 2 of 1,613,866 alleles (0.00012%); highest among the groups gnomAD compares: Admixed American, 0.0017%; no homozygotes.

Submissions (5):

Ambry Genetics
Classification: Uncertain significance for Hereditary cancer-predisposing syndrome. Last evaluated: 2025-12-09. Review status: criteria provided, single submitter. Criteria: Ambry Variant Classification Scheme 2023. Collection method: clinical testing. Allele origin: germline.
Comment: The p.T194S variant (also known as c.581C>G), located in coding exon 6 of the SDHB gene, results from a C to G substitution at nucleotide position 581. The threonine at codon 194 is replaced by serine, an amino acid with similar properties. This amino acid position is highly conserved in available vertebrate species. In addition, this alteration is predicted to be deleterious by in silico analysis. Since supporting evidence is limited at this time, the clinical significance of this alteration remains unclear.

Labcorp Genetics (formerly Invitae), Labcorp
Classification: Uncertain significance for Gastrointestinal stromal tumor; Pheochromocytoma/paraganglioma syndrome 4; Pheochromocytoma. Last evaluated: 2025-09-18. Review status: criteria provided, single submitter. Criteria: Invitae Variant Classification Sherloc (09022015). Collection method: clinical testing. Allele origin: germline.
Comment: This sequence change replaces threonine, which is neutral and polar, with serine, which is neutral and polar, at codon 194 of the SDHB protein (p.Thr194Ser). This variant is not present in population databases (gnomAD no frequency). This variant has not been reported in the literature in individuals affected with SDHB-related conditions. ClinVar contains an entry for this variant (Variation ID: 528727). Invitae Evidence Modeling of protein sequence and biophysical properties (such as structural, functional, and spatial information, amino acid conservation, physicochemical variation, residue mobility, and thermodynamic stability) indicates that this missense variant is not expected to disrupt SDHB protein function with a negative predictive value of 80%. RNA analysis performed to evaluate the impact of this missense change on mRNA splicing indicates it does not significantly alter splicing (internal data). In summary, the available evidence is currently insufficient to determine the role of this variant in disease. Therefore, it has been classified as a Variant of Uncertain Significance.

GeneDx
Classification: Uncertain significance. Last evaluated: 2025-02-11. Review status: criteria provided, single submitter. Criteria: GeneDx Variant Classification Process June 2021. Collection method: clinical testing. Allele origin: germline. Affected: yes.
Comment: Not observed at significant frequency in large population cohorts (gnomAD); In silico analysis supports that this missense variant has a deleterious effect on protein structure/function; Has not been previously published as pathogenic or benign to our knowledge

All of Us Research Program, National Institutes of Health
Classification: Uncertain significance for Hereditary pheochromocytoma and paraganglioma. Last evaluated: 2024-04-10. Review status: criteria provided, single submitter. Criteria: ACMG Guidelines, 2015. Collection method: clinical testing. Allele origin: germline. Inheritance: Autosomal dominant inheritance. Observed: 2 variant alleles, 2 heterozygotes.
Comment: This study involves interpretation of variants in research participants for the purpose of population health screening. Participant phenotype was not available at the time of variant classification. Additional details can be found in publication PMID: 35346344, PMCID: PMC8962531

Quest Diagnostics Nichols Institute San Juan Capistrano
Classification: Uncertain significance. Last evaluated: 2024-01-29. Review status: criteria provided, single submitter. Criteria: Quest Diagnostics criteria. Collection method: clinical testing. Allele origin: unknown.